The following is an entry in ClinVar:

ClinVar aggregate classification (germline): Conflicting classifications of pathogenicity. Review status: criteria provided, conflicting classifications (1 of 4 stars). 3 submissions from 3 submitters: Uncertain significance (2); Likely benign (1). Last evaluated 2026-01-18.

Conditions:
Spondyloepimetaphyseal dysplasia with joint laxity (SEMDJL). Identifiers: MedGen C0432243, MONDO:0019675.
Ehlers-Danlos syndrome, spondylodysplastic type, 2 (EDSSPD2). Also called: Ehlers-Danlos syndrome, progeroid type, 2. Identifiers: Orphanet 536467, Orphanet 75496, MedGen C3809210, MONDO:0014139, OMIM 615349.
Inborn genetic diseases. Identifiers: MedGen C0950123, MeSH D030342.

Allele frequency attached by ClinVar (database versions not stated): TOPMed 0.00007.

Submissions (3):

Women's Health and Genetics/Laboratory Corporation of America, LabCorp
Classification: Uncertain significance. Last evaluated: 2026-01-18. Review status: criteria provided, single submitter. Criteria: LabCorp Variant Classification Summary - May 2015. Collection method: clinical testing. Allele origin: germline.
Comment: Variant summary: B3GALT6 c.109G>C (p.Gly37Arg) results in a non-conservative amino acid change in the encoded protein sequence. Algorithms developed to predict the effect of missense changes on protein structure and function are either unavailable or do not agree on the potential impact of this missense change. The frequency data for this variant in gnomAD is considered unreliable, as metrics indicate poor data quality at this position. To our knowledge, no occurrence of c.109G>C in individuals affected with B3GALT6-related conditions and no experimental evidence demonstrating its impact on protein function have been reported. ClinVar contains an entry for this variant (Variation ID: 1438621). Based on the evidence outlined above, the variant was classified as uncertain significance.

Ambry Genetics
Classification: Likely benign for Inborn genetic diseases. Last evaluated: 2025-08-10. Review status: criteria provided, single submitter. Criteria: Ambry Variant Classification Scheme 2023. Collection method: clinical testing. Allele origin: germline.

Labcorp Genetics (formerly Invitae), Labcorp
Classification: Uncertain significance for Ehlers-Danlos syndrome, spondylodysplastic type, 2; Spondyloepimetaphyseal dysplasia with joint laxity. Last evaluated: 2022-10-03. Review status: criteria provided, single submitter. Criteria: Invitae Variant Classification Sherloc (09022015). Collection method: clinical testing. Allele origin: germline.
Comment: This sequence change replaces glycine, which is neutral and non-polar, with arginine, which is basic and polar, at codon 37 of the B3GALT6 protein (p.Gly37Arg). This variant is present in population databases (no rsID available, gnomAD 0.6%). This variant has not been reported in the literature in individuals affected with B3GALT6-related conditions. ClinVar contains an entry for this variant (Variation ID: 1438621). Algorithms developed to predict the effect of missense changes on protein structure and function are either unavailable or do not agree on the potential impact of this missense change (SIFT: "Deleterious"; PolyPhen-2: "Probably Damaging"; Align-GVGD: "Class C0"). In summary, the available evidence is currently insufficient to determine the role of this variant in disease. Therefore, it has been classified as a Variant of Uncertain Significance.

NM_080605.4(B3GALT6):c.109G>C (p.Gly37Arg)

Gene: B3GALT6 (beta-1,3-galactosyltransferase 6; plus strand). Cytogenetic location: 1p36.33.
Variant type: single nucleotide variant.
Coding change: c.109G>C on transcript NM_080605.4 (MANE Select); coding-DNA position 109, G replaced by C.
Protein change: p.Gly37Arg; replaces glycine 37 with arginine.
Molecular consequence: missense variant.
Genome position (GRCh38, 1-based): chr1:1,232,387, G>C. VCF-style: chr1-1232387-G-C. GRCh37 (hg19) VCF-style: chr1-1167767-G-C.
Other names: c.109G>C (NM_080605.3); short protein forms G37R.
Identifiers: ClinVar variation 1438621 (VCV001438621.5), dbSNP rs867336520, ClinGen allele CA16755093.
Genomic context (GRCh38, chr1:1,232,387, plus strand): 5'-GGCACGCTGGCGCTGTGCGGGGCGGCGCTGCTCTACCTGGCGCGCTGCGCGGCCGAGCCC[G>C]GGGACCCCAGGGCGATGTCGGGCCGCAGCCCGCCTCCCCCCGCGCCCGCGCGCGCCGCCG-3'
Protein context (NP_542172.2, residues 27-47): LYLARCAAEP[Gly37Arg]DPRAMSGRSP